The following is an entry in ClinVar:

ClinVar aggregate classification (germline): Benign. Review status: criteria provided, multiple submitters, no conflicts (2 of 4 stars). 11 submissions from 10 submitters: Benign (8). 3 of the submissions do not count toward it. Last evaluated 2026-02-04.

Conditions:
Adams-Oliver syndrome 5 (AOS5). Identifiers: Orphanet 974, MedGen C4014970, MONDO:0014459, OMIM 616028.
Aortic valve disease 1 (AOVD1). Identifiers: MedGen C3887892, MONDO:0024523, OMIM 109730.

Allele frequency attached by ClinVar (database versions not stated): 1000 Genomes Project 30x 0.03670; 1000 Genomes Project 0.03834; TOPMed 0.05259; ESP Exome Variant Server 0.06011; gnomAD 0.06288 and 0.06332.
gnomAD v4.1: 123,886 of 1,580,492 alleles (7.8%); highest among the groups gnomAD compares: Non-Finnish European, 8.7%; 5,508 homozygotes.

Submissions (11):

Labcorp Genetics (formerly Invitae), Labcorp
Classification: Benign for Adams-Oliver syndrome 5. Last evaluated: 2026-02-04. Review status: criteria provided, single submitter. Criteria: Invitae Variant Classification Sherloc (09022015). Collection method: clinical testing. Allele origin: germline.

Blueprint Genetics
Classification: Benign. Last evaluated: 2024-11-27. Review status: criteria provided, single submitter. Criteria: ACMG Guidelines, 2015. Collection method: clinical testing. Allele origin: germline.

Women's Health and Genetics/Laboratory Corporation of America, LabCorp
Classification: Benign. Last evaluated: 2023-04-10. Review status: criteria provided, single submitter. Criteria: LabCorp Variant Classification Summary - May 2015. Collection method: clinical testing. Allele origin: germline.

Genome-Nilou Lab
Classification: Benign for Adams-Oliver syndrome 5. Last evaluated: 2022-03-15. Review status: criteria provided, single submitter. Criteria: ACMG Guidelines, 2015. Collection method: clinical testing. Allele origin: germline. Affected: no.

Genome-Nilou Lab
Classification: Benign for Aortic valve disease 1. Last evaluated: 2022-03-15. Review status: criteria provided, single submitter. Criteria: ACMG Guidelines, 2015. Collection method: clinical testing. Allele origin: germline. Affected: no.

GeneDx
Classification: Benign. Last evaluated: 2016-09-30. Review status: criteria provided, single submitter. Criteria: GeneDx Variant Classification (06012015). Collection method: clinical testing. Allele origin: germline. Affected: yes.
Comment: This variant is considered likely benign or benign based on one or more of the following criteria: it is a conservative change, it occurs at a poorly conserved position in the protein, it is predicted to be benign by multiple in silico algorithms, and/or has population frequency not consistent with disease.

Eurofins Ntd Llc (ga)
Classification: Benign. Last evaluated: 2016-05-27. Review status: criteria provided, single submitter. Criteria: EGL Classification Definitions 2015. Collection method: clinical testing. Allele origin: germline. Observed: 2 variant alleles, 2 heterozygotes.

Breakthrough Genomics
Classification: Benign. Review status: criteria provided, single submitter. Criteria: ACMG Guidelines, 2015. Collection method: not provided. Allele origin: germline. Inheritance: Autosomal dominant inheritance. Affected: yes.

Clinical Genetics, Academic Medical Center
Classification: Benign. Review status: no assertion criteria provided. Collection method: clinical testing. Allele origin: germline. Affected: yes. Study: VKGL Data-share Consensus. Not counted in ClinVar's aggregate classification.

Genome Diagnostics Laboratory, Amsterdam University Medical Center
Classification: Benign. Review status: no assertion criteria provided. Collection method: clinical testing. Allele origin: germline. Affected: yes. Study: VKGL Data-share Consensus. Not counted in ClinVar's aggregate classification.

Joint Genome Diagnostic Labs from Nijmegen and Maastricht, Radboudumc and MUMC+
Classification: Benign. Review status: no assertion criteria provided. Collection method: clinical testing. Allele origin: germline. Affected: yes. Study: VKGL Data-share Consensus. Not counted in ClinVar's aggregate classification.

Literature cited by the submitters: PubMed 16614245 (cited by Women's Health and Genetics/Laboratory Corporation of America, LabCorp); PubMed 19635999 (cited by Women's Health and Genetics/Laboratory Corporation of America, LabCorp); PubMed 19245433 (cited by Women's Health and Genetics/Laboratory Corporation of America, LabCorp); PubMed 22858860 (cited by Women's Health and Genetics/Laboratory Corporation of America, LabCorp).

NM_017617.5(NOTCH1):c.5639-12C>T

Gene: NOTCH1 (notch receptor 1; minus strand). Cytogenetic location: 9q34.3.
Variant type: single nucleotide variant.
Coding change: c.5639-12C>T on transcript NM_017617.5 (MANE Select); 12 bases into the intron before coding-DNA position 5639, C replaced by T.
Molecular consequence: intron variant.
Genome position (GRCh38, 1-based): chr9:136,500,859, G>A on the plus strand (C>T on the coding strand, the complement: NOTCH1 is on the minus strand). VCF-style: chr9-136500859-G-A. GRCh37 (hg19) VCF-style: chr9-139395311-G-A.
Other names: c.5639-12C>T (LRG_1122t1, NM_017617.4).
Identifiers: ClinVar variation 288087 (VCV000288087.22), dbSNP rs11574908, ClinGen allele CA5340167.